The following is an entry in ClinVar:

NM_000426.4(LAMA2):c.4023C>G (p.Ile1341Met)

Gene: LAMA2 (laminin subunit alpha 2; plus strand). Cytogenetic location: 6q22.33.
Variant type: single nucleotide variant.
Coding change: c.4023C>G on transcript NM_000426.4 (MANE Select); coding-DNA position 4023, C replaced by G.
Protein change: p.Ile1341Met; replaces isoleucine 1341 with methionine.
Molecular consequence: missense variant.
Genome position (GRCh38, 1-based): chr6:129,316,136, C>G. VCF-style: chr6-129316136-C-G. GRCh37 (hg19) VCF-style: chr6-129637281-C-G.
Other names: c.4023C>G, p.Ile1341Met (NM_001079823.2); short protein forms I1341M.
Identifiers: ClinVar variation 1958697 (VCV001958697.4), dbSNP rs767554373, ClinGen allele CA3993411.

ClinVar aggregate classification (germline): Uncertain significance (1 of 4 stars; one submission).

Conditions:
LAMA2-related muscular dystrophy (LAMA2-RD). Also called: Laminin alpha 2-related dystrophy. Identifiers: MedGen C5679788, MONDO:0100228.

Allele frequency attached by ClinVar (database versions not stated): gnomAD exomes below 0.00001; ExAC 0.00001; TOPMed 0.00001.
gnomAD v4.1: 3 of 1,608,648 alleles (0.00019%); highest among the groups gnomAD compares: Admixed American, 0.005%; no homozygotes.

Submission:

Labcorp Genetics (formerly Invitae), Labcorp
Classification: Uncertain significance for LAMA2-related muscular dystrophy. Last evaluated: 2024-10-18. Review status: criteria provided, single submitter. Criteria: Invitae Variant Classification Sherloc (09022015). Collection method: clinical testing. Allele origin: germline.
Comment: This sequence change replaces isoleucine, which is neutral and non-polar, with methionine, which is neutral and non-polar, at codon 1341 of the LAMA2 protein (p.Ile1341Met). This variant is present in population databases (rs767554373, gnomAD 0.009%). This variant has not been reported in the literature in individuals affected with LAMA2-related conditions. ClinVar contains an entry for this variant (Variation ID: 1958697). Invitae Evidence Modeling of protein sequence and biophysical properties (such as structural, functional, and spatial information, amino acid conservation, physicochemical variation, residue mobility, and thermodynamic stability) indicates that this missense variant is not expected to disrupt LAMA2 protein function with a negative predictive value of 95%. In summary, the available evidence is currently insufficient to determine the role of this variant in disease. Therefore, it has been classified as a Variant of Uncertain Significance.